The following is an entry in ClinVar:

NM_001127222.2(CACNA1A):c.784G>C (p.Asp262His)

Gene: CACNA1A (calcium voltage-gated channel subunit alpha1 A; minus strand). Cytogenetic location: 19p13.13.
Variant type: single nucleotide variant.
Coding change: c.784G>C on transcript NM_001127222.2 (MANE Select); coding-DNA position 784, G replaced by C.
Protein change: p.Asp262His; replaces aspartic acid 262 with histidine.
Molecular consequence: missense variant.
Genome position (GRCh38, 1-based): chr19:13,365,317, C>G on the plus strand (G>C on the coding strand, the complement: CACNA1A is on the minus strand). VCF-style: chr19-13365317-C-G. GRCh37 (hg19) VCF-style: chr19-13476131-C-G.
Other names: c.784G>C, p.Asp262His (NM_000068.4, NM_001127221.2, NM_001174080.2 and 1 more transcripts); short protein forms D262H.
Identifiers: ClinVar variation 2020963 (VCV002020963.4), dbSNP rs2513175232, ClinGen allele CA404348178.

ClinVar aggregate classification (germline): Uncertain significance (1 of 4 stars; one submission).

Conditions:
Episodic ataxia type 2 (EA2). Also called: ATAXIA, EPISODIC, WITH NYSTAGMUS; ATAXIA, FAMILIAL PAROXYSMAL; CEREBELLAR ATAXIA, PAROXYSMAL, ACETAZOLAMIDE-RESPONSIVE; CEREBELLOPATHY, HEREDITARY PAROXYSMAL; ACETAZOLAMIDE-RESPONSIVE HEREDITARY PAROXYSMAL CEREBELLAR ATAXIA; EPISODIC ATAXIA, NYSTAGMUS-ASSOCIATED. Identifiers: Orphanet 97, MedGen C1720416, MONDO:0007163, OMIM 108500.
Developmental and epileptic encephalopathy, 42 (DEE42A). Also called: Epileptic encephalopathy, early infantile, 42; DEVELOPMENTAL AND EPILEPTIC ENCEPHALOPATHY 42A; EPILEPTIC ENCEPHALOPATHY, EARLY INFANTILE, 42A. Identifiers: MedGen C4310716, MONDO:0014917, OMIM 617106.

Submission:

Labcorp Genetics (formerly Invitae), Labcorp
Classification: Uncertain significance for Developmental and epileptic encephalopathy, 42; Episodic ataxia type 2. Last evaluated: 2022-08-01. Review status: criteria provided, single submitter. Criteria: Invitae Variant Classification Sherloc (09022015). Collection method: clinical testing. Allele origin: germline.
Comment: This sequence change replaces aspartic acid, which is acidic and polar, with histidine, which is basic and polar, at codon 262 of the CACNA1A protein (p.Asp262His). This variant also falls at the last nucleotide of exon 5, which is part of the consensus splice site for this exon. This variant is not present in population databases (gnomAD no frequency). This variant has not been reported in the literature in individuals affected with CACNA1A-related conditions. Algorithms developed to predict the effect of missense changes on protein structure and function (SIFT, PolyPhen-2, Align-GVGD) all suggest that this variant is likely to be tolerated. Variants that disrupt the consensus splice site are a relatively common cause of aberrant splicing (PMID: 17576681, 9536098). Algorithms developed to predict the effect of sequence changes on RNA splicing suggest that this variant may disrupt the consensus splice site. In summary, the available evidence is currently insufficient to determine the role of this variant in disease. Therefore, it has been classified as a Variant of Uncertain Significance.

Literature cited by the submitters: PubMed 17576681; PubMed 9536098.